The following is an entry in ClinVar:

ClinVar aggregate classification (germline): Uncertain significance (1 of 4 stars; one submission).

Conditions:
Malignant hyperthermia, susceptibility to, 1 (MHS1). Also called: RYR1-Related Malignant Hyperthermia Susceptibility; Anesthesia related hyperthermia; Malignant hyperpyrexia; Fulminating hyperpyrexia; Pharmacogenic myopathy; Malignant hyperthermia suceptibility 1. Identifiers: Orphanet 423, MedGen C2930980, MONDO:0007783, OMIM 145600.

Submission:

All of Us Research Program, National Institutes of Health
Classification: Uncertain significance for Malignant hyperthermia, susceptibility to, 1. Last evaluated: 2023-04-27. Review status: criteria provided, single submitter. Criteria: ACMG Guidelines, 2015. Collection method: clinical testing. Allele origin: germline. Inheritance: Autosomal dominant inheritance. Observed: 1 variant allele, 1 heterozygote.
Comment: This study involves interpretation of variants in research participants for the purpose of population health screening. Participant phenotype was not available at the time of variant classification. Additional details can be found in publication PMID: 35346344, PMCID: PMC8962531

NM_000540.3(RYR1):c.11111A>G (p.His3704Arg)

Gene: RYR1 (ryanodine receptor 1; plus strand). Cytogenetic location: 19q13.2.
Variant type: single nucleotide variant.
Coding change: c.11111A>G on transcript NM_000540.3 (MANE Select); coding-DNA position 11111, A replaced by G.
Protein change: p.His3704Arg; replaces histidine 3704 with arginine.
Molecular consequence: missense variant.
Genome position (GRCh38, 1-based): chr19:38,529,027, A>G. VCF-style: chr19-38529027-A-G. GRCh37 (hg19) VCF-style: chr19-39019667-A-G.
Other names: c.11096A>G, p.His3699Arg (NM_001042723.2); short protein forms H3699R, H3704R.
Identifiers: ClinVar variation 3070508 (VCV003070508.1), dbSNP rs2514500351, ClinGen allele CA405650345.